The following is an entry in ClinVar:

ClinVar aggregate classification (germline): Uncertain significance (1 of 4 stars; one submission).

Conditions:
Galactosylceramide beta-galactosidase deficiency. Also called: Leukodystrophy, Globoid Cell; GALACTOCEREBROSIDASE DEFICIENCY; GALC DEFICIENCY; GLOBOID CELL LEUKOENCEPHALOPATHY; Krabbe Disease. Identifiers: Orphanet 487, MedGen C0023521, MONDO:0009499, OMIM 245200.

Allele frequency attached by ClinVar (database versions not stated): ExAC 0.00005; gnomAD 0.00005; TOPMed 0.00005; gnomAD exomes 0.00007; ESP Exome Variant Server 0.00009.
gnomAD v4.1: 102 of 1,599,018 alleles (0.0064%); highest among the groups gnomAD compares: Non-Finnish European, 0.0086%; 1 homozygote.

Submission:

Labcorp Genetics (formerly Invitae), Labcorp
Classification: Uncertain significance for Galactosylceramide beta-galactosidase deficiency. Last evaluated: 2025-01-30. Review status: criteria provided, single submitter. Criteria: Invitae Variant Classification Sherloc (09022015). Collection method: clinical testing. Allele origin: germline.
Comment: This sequence change replaces threonine, which is neutral and polar, with isoleucine, which is neutral and non-polar, at codon 433 of the GALC protein (p.Thr433Ile). This variant is present in population databases (rs370750373, gnomAD 0.007%). This variant has not been reported in the literature in individuals affected with GALC-related conditions. ClinVar contains an entry for this variant (Variation ID: 2188553). Invitae Evidence Modeling of protein sequence and biophysical properties (such as structural, functional, and spatial information, amino acid conservation, physicochemical variation, residue mobility, and thermodynamic stability) indicates that this missense variant is not expected to disrupt GALC protein function with a negative predictive value of 95%. Algorithms developed to predict the effect of sequence changes on RNA splicing suggest that this variant may disrupt the consensus splice site. In summary, the available evidence is currently insufficient to determine the role of this variant in disease. Therefore, it has been classified as a Variant of Uncertain Significance.

NM_000153.4(GALC):c.1298C>T (p.Thr433Ile)

Gene: GALC (galactosylceramidase; minus strand). Cytogenetic location: 14q31.3.
Variant type: single nucleotide variant.
Coding change: c.1298C>T on transcript NM_000153.4 (MANE Select); coding-DNA position 1298, C replaced by T.
Protein change: p.Thr433Ile; replaces threonine 433 with isoleucine.
Molecular consequence: missense variant.
Genome position (GRCh38, 1-based): chr14:87,949,885, G>A on the plus strand (C>T on the coding strand, the complement: GALC is on the minus strand). VCF-style: chr14-87949885-G-A. GRCh37 (hg19) VCF-style: chr14-88416229-G-A.
Other names: c.1229C>T, p.Thr410Ile (NM_001201401.2); c.1220C>T, p.Thr407Ile (NM_001201402.2); short protein forms T433I, T407I, T410I.
Identifiers: ClinVar variation 2188553 (VCV002188553.2), dbSNP rs370750373, ClinGen allele CA7297060.